The following is an entry in ClinVar:

NM_018669.6(WDR4):c.541G>A (p.Glu181Lys)

Gene: WDR4 (WDR4 tRNA N7-guanosine methyltransferase non-catalytic subunit; minus strand). Cytogenetic location: 21q22.3.
Variant type: single nucleotide variant.
Coding change: c.541G>A on transcript NM_018669.6 (MANE Select); coding-DNA position 541, G replaced by A.
Protein change: p.Glu181Lys; replaces glutamic acid 181 with lysine.
Molecular consequence: missense variant. On other transcripts: non-coding transcript variant (1).
Genome position (GRCh38, 1-based): chr21:42,862,307, C>T on the plus strand (G>A on the coding strand, the complement: WDR4 is on the minus strand). VCF-style: chr21-42862307-C-T. GRCh37 (hg19) VCF-style: chr21-44282417-C-T.
Other names: c.541G>A, p.Glu181Lys (NM_001260474.2, NM_033661.5); c.103G>A, p.Glu35Lys (NM_001260475.2, NM_001260476.2, NM_001260477.2 and 1 more transcripts); c.541G>A (NM_018669.4); short protein forms E181K, E35K.
Identifiers: ClinVar variation 1806604 (VCV001806604.3), dbSNP rs371981572, ClinGen allele CA10046060.
Genomic context (GRCh38, chr21:42,862,307, plus strand): 5'-TTCTTTCTGCTGGAGGGGCAGGAAGGGGCACTCACTCTGTGTGCCCCAAGCAGAAGGACT[C>T]GATGCTATGGGGCGCCGCGGCCCAGCTGACTCGGATCTTCTCGTCCCGGTCGGCAGTGAG-3'
Protein context (NP_061139.2, residues 171-191): VSWAAAPHSI[Glu181Lys]SFCLGHTEFV

ClinVar aggregate classification (germline): Uncertain significance. Review status: criteria provided, multiple submitters, no conflicts (2 of 4 stars). 3 submissions from 3 submitters: Uncertain significance (3). Last evaluated 2023-12-31.

Conditions:
Inborn genetic diseases. Identifiers: MedGen C0950123, MeSH D030342.

Allele frequency attached by ClinVar (database versions not stated): ExAC 0.00001; gnomAD 0.00007; ESP Exome Variant Server 0.00008; TOPMed 0.00012.
gnomAD v4.1: 94 of 1,610,360 alleles (0.0058%); highest among the groups gnomAD compares: Admixed American, 0.015%; no homozygotes.

Submissions (3):

Ambry Genetics
Classification: Uncertain significance for Inborn genetic diseases. Last evaluated: 2023-12-31. Review status: criteria provided, single submitter. Criteria: Ambry Variant Classification Scheme 2023. Collection method: clinical testing. Allele origin: germline.

GeneDx
Classification: Uncertain significance. Last evaluated: 2022-06-23. Review status: criteria provided, single submitter. Criteria: GeneDx Variant Classification Process June 2021. Collection method: clinical testing. Allele origin: germline. Affected: yes.
Comment: In silico analysis supports that this missense variant does not alter protein structure/function; Has not been previously published as pathogenic or benign to our knowledge

Labcorp Genetics (formerly Invitae), Labcorp
Classification: Uncertain significance. Last evaluated: 2022-05-17. Review status: criteria provided, single submitter. Criteria: Invitae Variant Classification Sherloc (09022015). Collection method: clinical testing. Allele origin: germline.
Comment: This sequence change replaces glutamic acid, which is acidic and polar, with lysine, which is basic and polar, at codon 181 of the WDR4 protein (p.Glu181Lys). This variant is present in population databases (rs371981572, gnomAD 0.01%). This variant has not been reported in the literature in individuals affected with WDR4-related conditions. Algorithms developed to predict the effect of missense changes on protein structure and function are either unavailable or do not agree on the potential impact of this missense change (SIFT: "Tolerated"; PolyPhen-2: "Possibly Damaging"; Align-GVGD: "Class C0"). In summary, the available evidence is currently insufficient to determine the role of this variant in disease. Therefore, it has been classified as a Variant of Uncertain Significance.